The following is an entry in ClinVar:

NM_001853.4(COL9A3):c.577G>T (p.Gly193Ter)

Gene: COL9A3 (collagen type IX alpha 3 chain; plus strand). Cytogenetic location: 20q13.33.
Variant type: single nucleotide variant.
Coding change: c.577G>T on transcript NM_001853.4 (MANE Select); coding-DNA position 577, G replaced by T.
Protein change: p.Gly193Ter; replaces glycine 193 with a stop codon.
Molecular consequence: nonsense.
Genome position (GRCh38, 1-based): chr20:62,824,968, G>T. VCF-style: chr20-62824968-G-T. GRCh37 (hg19) VCF-style: chr20-61456320-G-T.
Other names: short protein forms G193*.
Identifiers: ClinVar variation 3650254 (VCV003650254.2).

ClinVar aggregate classification (germline): Pathogenic (1 of 4 stars; one submission).

gnomAD v4.1: 1 of 1,609,936 alleles (0.000062%); highest among the groups gnomAD compares: Non-Finnish European, 0.000085%; no homozygotes.

Submission:

Labcorp Genetics (formerly Invitae), Labcorp
Classification: Pathogenic. Last evaluated: 2024-04-17. Review status: criteria provided, single submitter. Criteria: Invitae Variant Classification Sherloc (09022015). Collection method: clinical testing. Allele origin: germline.
Comment: This sequence change creates a premature translational stop signal (p.Gly193*) in the COL9A3 gene. It is expected to result in an absent or disrupted protein product. Loss-of-function variants in COL9A3 are known to be pathogenic (PMID: 24273071, 31090205). This variant is not present in population databases (gnomAD no frequency). This variant has not been reported in the literature in individuals affected with COL9A3-related conditions. For these reasons, this variant has been classified as Pathogenic.

Literature cited by the submitters: PubMed 24273071; PubMed 31090205.